The following is an entry in ClinVar:

ClinVar aggregate classification (germline): Uncertain significance. Review status: criteria provided, multiple submitters, no conflicts (2 of 4 stars). 2 submissions from 2 submitters: Uncertain significance (2). Last evaluated 2024-09-03.

Conditions:
Inborn genetic diseases. Identifiers: MedGen C0950123, MeSH D030342.

Allele frequency attached by ClinVar (database versions not stated): gnomAD exomes below 0.00001 and 0.00002; TOPMed below 0.00001; ExAC 0.00001.

Submissions (2):

Ambry Genetics
Classification: Uncertain significance for Inborn genetic diseases. Last evaluated: 2024-09-03. Review status: criteria provided, single submitter. Criteria: Ambry Variant Classification Scheme 2023. Collection method: clinical testing. Allele origin: germline.

Labcorp Genetics (formerly Invitae), Labcorp
Classification: Uncertain significance. Last evaluated: 2022-11-08. Review status: criteria provided, single submitter. Criteria: Invitae Variant Classification Sherloc (09022015). Collection method: clinical testing. Allele origin: germline.
Comment: In summary, the available evidence is currently insufficient to determine the role of this variant in disease. Therefore, it has been classified as a Variant of Uncertain Significance. Advanced modeling of protein sequence and biophysical properties (such as structural, functional, and spatial information, amino acid conservation, physicochemical variation, residue mobility, and thermodynamic stability) performed at Invitae indicates that this missense variant is not expected to disrupt SZT2 protein function. ClinVar contains an entry for this variant (Variation ID: 1005406). This variant has not been reported in the literature in individuals affected with SZT2-related conditions. This variant is present in population databases (rs766487395, gnomAD 0.01%). This sequence change replaces arginine, which is basic and polar, with glutamine, which is neutral and polar, at codon 2878 of the SZT2 protein (p.Arg2878Gln).

NM_001365999.1(SZT2):c.8804G>A (p.Arg2935Gln)

Gene: SZT2 (SZT2 subunit of KICSTOR complex; plus strand). Cytogenetic location: 1p34.2.
Variant type: single nucleotide variant.
Coding change: c.8804G>A on transcript NM_001365999.1 (MANE Select); coding-DNA position 8804, G replaced by A.
Protein change: p.Arg2935Gln; replaces arginine 2935 with glutamine.
Molecular consequence: missense variant.
Genome position (GRCh38, 1-based): chr1:43,443,775, G>A. VCF-style: chr1-43443775-G-A. GRCh37 (hg19) VCF-style: chr1-43909446-G-A.
Other names: c.8633G>A (NM_015284.3); c.8633G>A, p.Arg2878Gln (NM_015284.4); short protein forms R2878Q, R2935Q.
Identifiers: ClinVar variation 1005406 (VCV001005406.7), dbSNP rs766487395, ClinGen allele CA810672.
Genomic context (GRCh38, chr1:43,443,775, plus strand): 5'-CTTTCCTGCAGCAATATGTGCAGTATCTGCAGAGCATAGGTTTTGTGCTGGTACCACTGC[G>A]GCCCCCCTCACCCGCCCGCAGGTGAGCCCGTCCCTGTTTTCCCTTCTGTCTTCTCCTCCT-3'
Protein context (NP_001352928.1, residues 2925-2945): QSIGFVLVPL[Arg2935Gln]PPSPARSTSR